The following is an entry in ClinVar:

ClinVar aggregate classification (germline): Likely benign. Review status: criteria provided, multiple submitters, no conflicts (2 of 4 stars). 2 submissions from 2 submitters: Likely benign (2). Last evaluated 2024-09-19.

Conditions:
Hereditary cancer-predisposing syndrome. Also called: Hereditary Cancer Syndrome; Neoplastic Syndromes, Hereditary; Hereditary neoplastic syndrome; Tumor predisposition. Identifiers: Orphanet 140162, MedGen C0027672, MeSH D009386, MONDO:0015356.

Submissions (2):

Ambry Genetics
Classification: Likely benign for Hereditary cancer-predisposing syndrome. Last evaluated: 2024-09-19. Review status: criteria provided, single submitter. Criteria: Ambry Variant Classification Scheme 2023. Collection method: clinical testing. Allele origin: germline.

University of Washington Department of Laboratory Medicine, University of Washington
Classification: Likely benign for Hereditary cancer-predisposing syndrome. Last evaluated: 2023-03-23. Review status: criteria provided, single submitter. Criteria: Dines et al. (Genet Med. 2020). Collection method: curation. Allele origin: germline.
Comment: Missense variant in a coldspot region where missense variants are very unlikely to be pathogenic (PMID:31911673).

BRCA2 exon 11 coldspot. Reclassification based on statistical prior probability.

NM_000059.4(BRCA2):c.5732A>G (p.Asp1911Gly)

Gene: BRCA2 (BRCA2 DNA repair associated; plus strand). Cytogenetic location: 13q13.1.
Variant type: single nucleotide variant.
Coding change: c.5732A>G on transcript NM_000059.4 (MANE Select); coding-DNA position 5732, A replaced by G.
Protein change: p.Asp1911Gly; replaces aspartic acid 1911 with glycine.
Molecular consequence: missense variant.
Genome position (GRCh38, 1-based): chr13:32,340,087, A>G. VCF-style: chr13-32340087-A-G. GRCh37 (hg19) VCF-style: chr13-32914224-A-G.
Other names: short protein forms D1911G.
Identifiers: ClinVar variation 142690 (VCV000142690.6), dbSNP rs200943373, ClinGen allele CA023090.